The following is an entry in ClinVar:

NM_001151.4(SLC25A4):c.746T>C (p.Ile249Thr)

Gene: SLC25A4 (solute carrier family 25 member 4; plus strand). Cytogenetic location: 4q35.1.
Variant type: single nucleotide variant.
Coding change: c.746T>C on transcript NM_001151.4 (MANE Select); coding-DNA position 746, T replaced by C.
Protein change: p.Ile249Thr; replaces isoleucine 249 with threonine.
Molecular consequence: missense variant.
Genome position (GRCh38, 1-based): chr4:185,146,820, T>C. VCF-style: chr4-185146820-T-C. GRCh37 (hg19) VCF-style: chr4-186067974-T-C.
Other names: c.746T>C (NM_001151.3); short protein forms I249T.
Identifiers: ClinVar variation 3716603 (VCV003716603.3).

ClinVar aggregate classification (germline): Uncertain significance. Review status: criteria provided, multiple submitters, no conflicts (2 of 4 stars). 2 submissions from 2 submitters: Uncertain significance (2). Last evaluated 2025-05-13.

gnomAD v4.1: 7 of 1,614,082 alleles (0.00043%); highest among the groups gnomAD compares: East Asian, 0.0045%; no homozygotes.

Submissions (2):

GeneDx
Classification: Uncertain significance. Last evaluated: 2025-05-13. Review status: criteria provided, single submitter. Criteria: GeneDx Variant Classification Process June 2021. Collection method: clinical testing. Allele origin: germline. Affected: yes.
Comment: Not observed at significant frequency in large population cohorts (gnomAD); In silico analysis supports that this missense variant has a deleterious effect on protein structure/function; Has not been previously published as pathogenic or benign to our knowledge

Labcorp Genetics (formerly Invitae), Labcorp
Classification: Uncertain significance. Last evaluated: 2024-09-17. Review status: criteria provided, single submitter. Criteria: Invitae Variant Classification Sherloc (09022015). Collection method: clinical testing. Allele origin: germline.
Comment: This sequence change replaces isoleucine, which is neutral and non-polar, with threonine, which is neutral and polar, at codon 249 of the SLC25A4 protein (p.Ile249Thr). This variant is not present in population databases (gnomAD no frequency). This variant has not been reported in the literature in individuals affected with SLC25A4-related conditions. Invitae Evidence Modeling of protein sequence and biophysical properties (such as structural, functional, and spatial information, amino acid conservation, physicochemical variation, residue mobility, and thermodynamic stability) indicates that this missense variant is not expected to disrupt SLC25A4 protein function with a negative predictive value of 80%. In summary, the available evidence is currently insufficient to determine the role of this variant in disease. Therefore, it has been classified as a Variant of Uncertain Significance.